The following is an entry in ClinVar:

ClinVar aggregate classification (germline): Uncertain significance (1 of 4 stars; one submission).

Conditions:
Fanconi anemia (FA). Also called: Fanconi's anemia. Identifiers: Orphanet 84, MedGen C0015625, MeSH D005199, MONDO:0019391.

gnomAD v4.1: 2 of 1,209,468 alleles (0.00017%); highest among the groups gnomAD compares: Middle Eastern, 0.046%; no homozygotes.

Submission:

Labcorp Genetics (formerly Invitae), Labcorp
Classification: Uncertain significance for Fanconi anemia. Last evaluated: 2022-10-07. Review status: criteria provided, single submitter. Criteria: Invitae Variant Classification Sherloc (09022015). Collection method: clinical testing. Allele origin: germline.
Comment: In summary, the available evidence is currently insufficient to determine the role of this variant in disease. Therefore, it has been classified as a Variant of Uncertain Significance. Advanced modeling of protein sequence and biophysical properties (such as structural, functional, and spatial information, amino acid conservation, physicochemical variation, residue mobility, and thermodynamic stability) performed at Invitae indicates that this missense variant is not expected to disrupt FANCB protein function. This variant has not been reported in the literature in individuals affected with FANCB-related conditions. This variant is not present in population databases (gnomAD no frequency). This sequence change replaces valine, which is neutral and non-polar, with methionine, which is neutral and non-polar, at codon 674 of the FANCB protein (p.Val674Met).

NM_001018113.3(FANCB):c.2020G>A (p.Val674Met)

Gene: FANCB (FA complementation group B; minus strand). Cytogenetic location: Xp22.2.
Variant type: single nucleotide variant.
Coding change: c.2020G>A on transcript NM_001018113.3 (MANE Select); coding-DNA position 2020, G replaced by A.
Protein change: p.Val674Met; replaces valine 674 with methionine.
Molecular consequence: missense variant.
Genome position (GRCh38, 1-based): chrX:14,844,648, C>T on the plus strand (G>A on the coding strand, the complement: FANCB is on the minus strand). VCF-style: chrX-14844648-C-T. GRCh37 (hg19) VCF-style: chrX-14862770-C-T.
Other names: c.2020G>A, p.Val674Met (NM_001324162.2, NM_001410764.1, NM_152633.4); short protein forms V674M.
Identifiers: ClinVar variation 2153617 (VCV002153617.2), dbSNP rs2092368233, ClinGen allele CA412438763.